The following is an entry in ClinVar:

ClinVar aggregate classification (germline): Benign (1 of 4 stars; one submission).

Allele frequency attached by ClinVar (database versions not stated): 1000 Genomes Project 0.00080; gnomAD exomes 0.00089; 1000 Genomes Project 30x 0.00094; TOPMed 0.00095; gnomAD 0.00099.
gnomAD v4.1: 367 of 398,646 alleles (0.092%); highest among the groups gnomAD compares: Non-Finnish European, 0.14%; 1 homozygote.

Submission:

CeGaT Center for Human Genetics Tuebingen
Classification: Benign. Last evaluated: 2026-09-01. Review status: criteria provided, single submitter. Criteria: CeGaT Center For Human Genetics Tuebingen Variant Classification Criteria Version 2. Collection method: clinical testing. Allele origin: germline. Affected: yes. Observed: 6 variant alleles.
Comment: KCNQ1OT1: BS1, BS2

NM_000218.3(KCNQ1):c.1514+4986C>T

Genes: KCNQ1 (potassium voltage-gated channel subfamily Q member 1; plus strand), KCNQ1OT1 (KCNQ1 opposite strand/antisense transcript 1; minus strand). Cytogenetic location: 11p15.5.
Variant type: single nucleotide variant.
Coding change: c.1514+4986C>T on transcript NM_000218.3 (MANE Select); 4986 bases into the intron after coding-DNA position 1514, C replaced by T.
Molecular consequence: intron variant. On other transcripts: non-coding transcript variant (1).
Genome position (GRCh38, 1-based): chr11:2,667,067, C>T. VCF-style: chr11-2667067-C-T. GRCh37 (hg19) VCF-style: chr11-2688297-C-T.
Other names: c.1244+4986C>T (NM_001406837.1); c.1418+4986C>T (NM_001406836.1); c.974+4986C>T (NM_001406838.1); c.1133+4986C>T (NM_181798.2).
Identifiers: ClinVar variation 2641462 (VCV002641462.24), dbSNP rs150129625, ClinGen allele CA216175433.